The following is an entry in ClinVar:

NM_001035.3(RYR2):c.13528G>C (p.Ala4510Pro)

Gene: RYR2 (ryanodine receptor 2; plus strand). Cytogenetic location: 1q43.
Variant type: single nucleotide variant.
Coding change: c.13528G>C on transcript NM_001035.3 (MANE Select); coding-DNA position 13528, G replaced by C.
Protein change: p.Ala4510Pro; replaces alanine 4510 with proline.
Molecular consequence: missense variant.
Genome position (GRCh38, 1-based): chr1:237,791,480, G>C. VCF-style: chr1-237791480-G-C. GRCh37 (hg19) VCF-style: chr1-237954780-G-C.
Other names: c.13528G>C, p.Ala4510Pro (LRG_402t1); short protein forms A4510P.
Identifiers: ClinVar variation 568135 (VCV000568135.11), dbSNP rs397516510, ClinGen allele CA345417159.

ClinVar aggregate classification (germline): Pathogenic/Likely pathogenic. Review status: criteria provided, multiple submitters, no conflicts (2 of 4 stars). 2 submissions from 2 submitters: Pathogenic (1); Likely pathogenic (1). Last evaluated 2024-10-22.

Conditions:
Catecholaminergic polymorphic ventricular tachycardia 1. Also called: RYR2-Related Catecholaminergic Polymorphic Ventricular Tachycardia; VENTRICULAR TACHYCARDIA, CATECHOLAMINERGIC POLYMORPHIC, 1, WITH OR WITHOUT ATRIAL DYSFUNCTION AND/OR DILATED CARDIOMYOPATHY; VENTRICULAR TACHYCARDIA, STRESS-INDUCED POLYMORPHIC 1. Identifiers: Orphanet 3286, MedGen C1631597, MONDO:0011484, OMIM 604772.

Submissions (2):

GeneDx
Classification: Likely pathogenic. Last evaluated: 2024-10-22. Review status: criteria provided, single submitter. Criteria: GeneDx Variant Classification Process June 2021. Collection method: clinical testing. Allele origin: germline. Affected: yes.
Comment: Not observed at significant frequency in large population cohorts (gnomAD); In silico analysis supports that this missense variant has a deleterious effect on protein structure/function; Has not been previously published as pathogenic or benign to our knowledge; This variant is associated with the following publications: (PMID: 19926015)

Labcorp Genetics (formerly Invitae), Labcorp
Classification: Pathogenic for Catecholaminergic polymorphic ventricular tachycardia 1. Last evaluated: 2024-09-30. Review status: criteria provided, single submitter. Criteria: Invitae Variant Classification Sherloc (09022015). Collection method: clinical testing. Allele origin: germline.
Comment: This sequence change replaces alanine, which is neutral and non-polar, with proline, which is neutral and non-polar, at codon 4510 of the RYR2 protein (p.Ala4510Pro). This variant is not present in population databases (gnomAD no frequency). This missense change has been observed in individual(s) with clinical features of catecholaminergic polymorphic ventricular tachycardia (internal data). In at least one individual the variant was observed to be de novo. ClinVar contains an entry for this variant (Variation ID: 568135). Invitae Evidence Modeling of protein sequence and biophysical properties (such as structural, functional, and spatial information, amino acid conservation, physicochemical variation, residue mobility, and thermodynamic stability) indicates that this missense variant is expected to disrupt RYR2 protein function with a positive predictive value of 95%. This variant disrupts the p.Ala4510 amino acid residue in RYR2. Other variant(s) that disrupt this residue have been determined to be pathogenic (internal data). This suggests that this residue is clinically significant, and that variants that disrupt this residue are likely to be disease-causing. For these reasons, this variant has been classified as Pathogenic.